The following is an entry in ClinVar:

ClinVar aggregate classification (germline): Likely pathogenic (1 of 4 stars; one submission).

Conditions:
Fucosidosis. Also called: ALPHA-L-FUCOSIDASE DEFICIENCY. Identifiers: Orphanet 349, MedGen C0016788, MONDO:0009254, OMIM 230000.

Submission:

Labcorp Genetics (formerly Invitae), Labcorp
Classification: Likely pathogenic for Fucosidosis. Last evaluated: 2024-01-14. Review status: criteria provided, single submitter. Criteria: Invitae Variant Classification Sherloc (09022015). Collection method: clinical testing. Allele origin: germline.
Comment: This variant results in a copy number gain of the genomic region encompassing exon(s) 4 of the FUCA1 gene. While the exact position of this variant cannot be determined from the data, sub-genic copy number gains are generally in tandem (PMID: 25640679). This variant is predicted to be out-of-frame, and may result in an absent or disrupted protein product. Loss-of-function variants in FUCA1 are known to be pathogenic (PMID: 10094192). This variant has not been reported in the literature in individuals affected with FUCA1-related conditions. In summary, the currently available evidence indicates that the variant is pathogenic, but additional data are needed to prove that conclusively. Therefore, this variant has been classified as Likely Pathogenic.

Literature cited by the submitters: PubMed 25640679; PubMed 10094192.

NC_000001.10:g.(?_24186268)_(24186413_?)dup

Gene: FUCA1 (alpha-L-fucosidase 1; minus strand). Cytogenetic location: 1p36.11.
Variant type: Duplication.
Identifiers: ClinVar variation 2422467 (VCV002422467.4).